The following is an entry in ClinVar:

ClinVar aggregate classification (germline): Benign/Likely benign. Review status: criteria provided, multiple submitters, no conflicts (2 of 4 stars). 7 submissions from 7 submitters: Benign (6); Likely benign (1). Last evaluated 2026-07-01.

Conditions:
Early-infantile DEE. Also called: Early infantile epileptic encephalopathy; Ohtahara syndrome; Early infantile epileptic encephalopathy with suppression bursts. Identifiers: Orphanet 1934, MedGen C0393706, MONDO:0800491.
Inborn genetic diseases. Identifiers: MedGen C0950123, MeSH D030342.
Developmental and epileptic encephalopathy, 5 (DEE5). Identifiers: Orphanet 3451, MedGen C3150731, MONDO:0013277, OMIM 613477.

Allele frequency attached by ClinVar (database versions not stated): gnomAD exomes 0.00036 and 0.00097; ExAC 0.00141; ESP Exome Variant Server 0.00300; gnomAD 0.00356 and 0.00379; TOPMed 0.00395; 1000 Genomes Project 0.00439; 1000 Genomes Project 30x 0.00484.
gnomAD v4.1: 1,102 of 1,612,474 alleles (0.068%); highest among the groups gnomAD compares: African/African-American, 1.2%; 15 homozygotes.

Submissions (7):

CeGaT Center for Human Genetics Tuebingen
Classification: Benign. Last evaluated: 2026-07-01. Review status: criteria provided, single submitter. Criteria: CeGaT Center For Human Genetics Tuebingen Variant Classification Criteria Version 2. Collection method: clinical testing. Allele origin: germline. Affected: yes. Observed: 4 variant alleles.
Comment: SPTAN1: BP4, BP7, BS1, BS2

Labcorp Genetics (formerly Invitae), Labcorp
Classification: Benign for Early-infantile DEE. Last evaluated: 2026-01-25. Review status: criteria provided, single submitter. Criteria: Invitae Variant Classification Sherloc (09022015). Collection method: clinical testing. Allele origin: germline.

Blueprint Genetics
Classification: Likely benign. Last evaluated: 2024-10-02. Review status: criteria provided, single submitter. Criteria: ACMG Guidelines, 2015. Collection method: clinical testing. Allele origin: germline.

Genome-Nilou Lab
Classification: Benign for Developmental and epileptic encephalopathy, 5. Last evaluated: 2021-07-15. Review status: criteria provided, single submitter. Criteria: ACMG Guidelines, 2015. Collection method: clinical testing. Allele origin: germline. Affected: no.

Ambry Genetics
Classification: Benign for Inborn genetic diseases. Last evaluated: 2016-05-02. Review status: criteria provided, single submitter. Criteria: Ambry Variant Classification Scheme 2023. Collection method: clinical testing. Allele origin: germline.

GeneDx
Classification: Benign. Last evaluated: 2013-03-27. Review status: criteria provided, single submitter. Criteria: GeneDx Variant Classification (06012015). Collection method: clinical testing. Allele origin: germline. Affected: yes.
Comment: This variant is considered likely benign or benign based on one or more of the following criteria: it is a conservative change, it occurs at a poorly conserved position in the protein, it is predicted to be benign by multiple in silico algorithms, and/or has population frequency not consistent with disease.

Breakthrough Genomics
Classification: Benign. Review status: criteria provided, single submitter. Criteria: ACMG Guidelines, 2015. Collection method: not provided. Allele origin: germline. Inheritance: Autosomal dominant inheritance. Affected: yes.

NM_001130438.3(SPTAN1):c.6549C>A (p.Thr2183=)

Gene: SPTAN1 (spectrin alpha, non-erythrocytic 1; plus strand). Cytogenetic location: 9q34.11.
Variant type: single nucleotide variant.
Coding change: c.6549C>A on transcript NM_001130438.3 (MANE Select); coding-DNA position 6549, C replaced by A.
Protein change: p.Thr2183=; no amino-acid change (threonine 2183 retained).
Molecular consequence: synonymous variant.
Genome position (GRCh38, 1-based): chr9:128,626,660, C>A. VCF-style: chr9-128626660-C-A. GRCh37 (hg19) VCF-style: chr9-131388939-C-A.
Other names: p.T2183T:ACC>ACA; c.6474C>A, p.Thr2158= (NM_001195532.2); c.6549C>A, p.Thr2183= (NM_001363759.2); c.6489C>A, p.Thr2163= (NM_001363765.2); c.6534C>A, p.Thr2178= (NM_003127.4).
Identifiers: ClinVar variation 139310 (VCV000139310.44), dbSNP rs116778543, ClinGen allele CA293753.